The following is an entry in ClinVar:

ClinVar aggregate classification (germline): Uncertain significance (1 of 4 stars; one submission).

Conditions:
Hereditary cancer-predisposing syndrome. Also called: Hereditary neoplastic syndrome; Neoplastic Syndromes, Hereditary; Tumor predisposition; Hereditary Cancer Syndrome. Identifiers: Orphanet 140162, MedGen C0027672, MeSH D009386, MONDO:0015356.

Submission:

Ambry Genetics
Classification: Uncertain significance for Hereditary cancer-predisposing syndrome. Last evaluated: 2025-08-27. Review status: criteria provided, single submitter. Criteria: Ambry Variant Classification Scheme 2023. Collection method: clinical testing. Allele origin: germline.
Comment: The p.Q314H variant (also known as c.942G>T), located in coding exon 11 of the MUTYH gene, results from a G to T substitution at nucleotide position 942. The glutamine at codon 314 is replaced by histidine, an amino acid with highly similar properties. This amino acid position is conserved. In addition, this alteration is predicted to be tolerated by in silico analysis. Based on the available evidence, the clinical significance of this variant remains unclear.

NM_001048174.2(MUTYH):c.858G>T (p.Gln286His)

Gene: MUTYH (mutY DNA glycosylase; minus strand). Cytogenetic location: 1p34.1.
Variant type: single nucleotide variant.
Coding change: c.858G>T on transcript NM_001048174.2 (MANE Select); coding-DNA position 858, G replaced by T.
Protein change: p.Gln286His; replaces glutamine 286 with histidine.
Molecular consequence: missense variant. On other transcripts: non-coding transcript variant (7).
Genome position (GRCh38, 1-based): chr1:45,332,078, C>A on the plus strand (G>T on the coding strand, the complement: MUTYH is on the minus strand). VCF-style: chr1-45332078-C-A. GRCh37 (hg19) VCF-style: chr1-45797750-C-A.
Other names: c.582G>T, p.Gln194His (NM_001293196.2, NM_001407091.1, NM_001293192.2); c.513G>T, p.Gln171His (NM_001350650.2, NM_001350651.2, NM_001407082.1); c.891G>T, p.Gln297His (NM_001407069.1, NM_001293191.2, NM_001407077.1); c.858G>T, p.Gln286His (NM_001407070.1, NM_001407072.1, NM_001407073.1 and 6 more transcripts); c.861G>T, p.Gln287His (NM_001407071.1, NM_001048172.2, NM_001407078.1 and 1 more transcripts); c.774G>T, p.Gln258His (NM_001407075.1); c.933G>T, p.Gln311His (NM_012222.3); c.942G>T, p.Gln314His (NM_001128425.2); and 5 more; short protein forms Q258H, Q171H, Q273H, Q287H, Q293H, Q301H, Q311H, Q297H.
Identifiers: ClinVar variation 4113928 (VCV004113928.1).